The following is an entry in ClinVar:

ClinVar aggregate classification (germline): Uncertain significance (1 of 4 stars; one submission).

Conditions:
Schimke immuno-osseous dysplasia (SIOD). Also called: Schimke Immunoosseous Dysplasia. Identifiers: Orphanet 1830, MedGen C0877024, MONDO:0009458, OMIM 242900.

Allele frequency attached by ClinVar (database versions not stated): gnomAD exomes below 0.00001; ExAC 0.00001; gnomAD 0.00001.
gnomAD v4.1: 9 of 1,613,720 alleles (0.00056%); highest among the groups gnomAD compares: Admixed American, 0.0033%; no homozygotes.

Submission:

Labcorp Genetics (formerly Invitae), Labcorp
Classification: Uncertain significance for Schimke immuno-osseous dysplasia. Last evaluated: 2022-05-24. Review status: criteria provided, single submitter. Criteria: Invitae Variant Classification Sherloc (09022015). Collection method: clinical testing. Allele origin: germline.
Comment: This sequence change falls in intron 11 of the SMARCAL1 gene. It does not directly change the encoded amino acid sequence of the SMARCAL1 protein. It affects a nucleotide within the consensus splice site. This variant is present in population databases (rs781139781, gnomAD 0.005%). This variant has not been reported in the literature in individuals affected with SMARCAL1-related conditions. Variants that disrupt the consensus splice site are a relatively common cause of aberrant splicing (PMID: 17576681, 9536098). Algorithms developed to predict the effect of sequence changes on RNA splicing suggest that this variant is not likely to affect RNA splicing. In summary, the available evidence is currently insufficient to determine the role of this variant in disease. Therefore, it has been classified as a Variant of Uncertain Significance.

Literature cited by the submitters: PubMed 17576681; PubMed 9536098.

NM_014140.4(SMARCAL1):c.1851+3A>G

Gene: SMARCAL1 (SNF2 related chromatin remodeling annealing helicase 1; plus strand). Cytogenetic location: 2q35.
Variant type: single nucleotide variant.
Coding change: c.1851+3A>G on transcript NM_014140.4 (MANE Select); 3 bases into the intron after coding-DNA position 1851, A replaced by G.
Molecular consequence: intron variant.
Genome position (GRCh38, 1-based): chr2:216,447,161, A>G. VCF-style: chr2-216447161-A-G. GRCh37 (hg19) VCF-style: chr2-217311884-A-G.
Other names: c.1851+3A>G (NM_001127207.2).
Identifiers: ClinVar variation 2172328 (VCV002172328.1), dbSNP rs781139781, ClinGen allele CA2098015.
Genomic context (GRCh38, chr2:216,447,161, plus strand): 5'-GCCAACTTTCTTCCCCCAGTTTCATGCCTTTGGACTTCGCTACTGTGATGCCAAACGGGT[A>G]TGTATTATCTCTTCCCTCCCAGCCCACCCATTTCTCACCCTGATTTTGACACTTATCTTT-3'